The following is an entry in ClinVar:

NM_018834.6(MATR3):c.1015A>G (p.Met339Val)

Gene: MATR3 (matrin 3; plus strand). Cytogenetic location: 5q31.2.
Variant type: single nucleotide variant.
Coding change: c.1015A>G on transcript NM_018834.6 (MANE Select); coding-DNA position 1015, A replaced by G.
Protein change: p.Met339Val; replaces methionine 339 with valine.
Molecular consequence: missense variant. On other transcripts: initiator codon variant (8).
Genome position (GRCh38, 1-based): chr5:139,315,737, A>G. VCF-style: chr5-139315737-A-G. GRCh37 (hg19) VCF-style: chr5-138651426-A-G.
Other names: c.1A>G, p.Met1Val (NM_001400463.1, NM_001400464.1, NM_001400465.1 and 5 more transcripts); c.1015A>G, p.Met339Val (NM_199189.3, NM_001194954.2, NM_001194955.2 and 16 more transcripts); c.151A>G, p.Met51Val (NM_001194956.2); c.154A>G, p.Met52Val (NM_001400459.1); c.115A>G, p.Met39Val (NM_001400461.1); short protein forms M1V, M339V, M39V, M51V, M52V.
Identifiers: ClinVar variation 4799712 (VCV004799712.1).

ClinVar aggregate classification (germline): Uncertain significance (1 of 4 stars; one submission).

Conditions:
Amyotrophic lateral sclerosis type 21. Also called: VOCAL CORD AND PHARYNGEAL DYSFUNCTION WITH DISTAL MYOPATHY; MYOPATHY, DISTAL, 2. Identifiers: Orphanet 600, Orphanet 803, MedGen C3807521, MONDO:0011632, OMIM 606070.

gnomAD v4.1: 1 of 1,609,674 alleles (0.000062%); highest among the groups gnomAD compares: Non-Finnish European, 0.000085%; no homozygotes.

Submission:

Labcorp Genetics (formerly Invitae), Labcorp
Classification: Uncertain significance for Amyotrophic lateral sclerosis type 21. Last evaluated: 2025-10-28. Review status: criteria provided, single submitter. Criteria: Invitae Variant Classification Sherloc (09022015). Collection method: clinical testing. Allele origin: germline.
Comment: This sequence change replaces methionine, which is neutral and non-polar, with valine, which is neutral and non-polar, at codon 339 of the MATR3 protein (p.Met339Val). This variant is not present in population databases (gnomAD no frequency). This variant has not been reported in the literature in individuals affected with MATR3-related conditions. An algorithm developed to predict the effect of missense changes on protein structure and function (PolyPhen-2) suggests that this variant is likely to be tolerated. In summary, the available evidence is currently insufficient to determine the role of this variant in disease. Therefore, it has been classified as a Variant of Uncertain Significance.